The following is an entry in ClinVar:

ClinVar aggregate classification (germline): Conflicting classifications of pathogenicity. Review status: criteria provided, conflicting classifications (1 of 4 stars). 2 submissions from 2 submitters: Uncertain significance (1); Likely benign (1). Last evaluated 2024-12-31.

Conditions:
Familial thoracic aortic aneurysm and aortic dissection (TAAD). Also called: Thoracic aortic aneurysms and dissections. Identifiers: Orphanet 91387, MedGen C4707243, MONDO:0019625.
Ehlers-Danlos syndrome, kyphoscoliotic type 1 (EDSKSCL1). Also called: EHLERS-DANLOS SYNDROME, TYPE VIA; Ehlers-Danlos syndrome, hydroxylysine-deficient; EHLERS-DANLOS SYNDROME, OCULAR-SCOLIOTIC TYPE; PLOD1-Related Kyphoscoliotic Ehlers-Danlos Syndrome. Identifiers: Orphanet 1900, MedGen C0268342, MONDO:0016002, OMIM 225400. Disease mechanism: loss of function.

Allele frequency attached by ClinVar (database versions not stated): TOPMed 0.00002; gnomAD exomes 0.00003; gnomAD 0.00005.
gnomAD v4.1: 52 of 1,613,920 alleles (0.0032%); highest among the groups gnomAD compares: Non-Finnish European, 0.0039%; no homozygotes.

Submissions (2):

Ambry Genetics
Classification: Likely benign for Familial thoracic aortic aneurysm and aortic dissection. Last evaluated: 2024-12-31. Review status: criteria provided, single submitter. Criteria: Ambry Variant Classification Scheme 2023. Collection method: clinical testing. Allele origin: germline.

Labcorp Genetics (formerly Invitae), Labcorp
Classification: Uncertain significance for Ehlers-Danlos syndrome, kyphoscoliotic type 1. Last evaluated: 2022-08-23. Review status: criteria provided, single submitter. Criteria: Invitae Variant Classification Sherloc (09022015). Collection method: clinical testing. Allele origin: germline.
Comment: This sequence change replaces arginine, which is basic and polar, with glutamine, which is neutral and polar, at codon 310 of the PLOD1 protein (p.Arg310Gln). This variant is not present in population databases (gnomAD no frequency). This variant has not been reported in the literature in individuals affected with PLOD1-related conditions. ClinVar contains an entry for this variant (Variation ID: 459836). Algorithms developed to predict the effect of missense changes on protein structure and function output the following: SIFT: "Tolerated"; PolyPhen-2: "Benign"; Align-GVGD: "Class C0". The glutamine amino acid residue is found in multiple mammalian species, which suggests that this missense change does not adversely affect protein function. Algorithms developed to predict the effect of sequence changes on RNA splicing suggest that this variant may create or strengthen a splice site. In summary, the available evidence is currently insufficient to determine the role of this variant in disease. Therefore, it has been classified as a Variant of Uncertain Significance.

NM_000302.4(PLOD1):c.929G>A (p.Arg310Gln)

Gene: PLOD1 (procollagen-lysine,2-oxoglutarate 5-dioxygenase 1; plus strand). Cytogenetic location: 1p36.22.
Variant type: single nucleotide variant.
Coding change: c.929G>A on transcript NM_000302.4 (MANE Select); coding-DNA position 929, G replaced by A.
Protein change: p.Arg310Gln; replaces arginine 310 with glutamine.
Molecular consequence: missense variant.
Genome position (GRCh38, 1-based): chr1:11,958,601, G>A. VCF-style: chr1-11958601-G-A. GRCh37 (hg19) VCF-style: chr1-12018658-G-A.
Other names: c.1070G>A, p.Arg357Gln (NM_001316320.2); short protein forms R310Q, R357Q.
Identifiers: ClinVar variation 459836 (VCV000459836.7), dbSNP rs992278231, ClinGen allele CA18003711.